The following is an entry in ClinVar:

ClinVar aggregate classification (germline): Conflicting classifications of pathogenicity. Review status: criteria provided, conflicting classifications (1 of 4 stars). 5 submissions from 5 submitters: Uncertain significance (4); Benign (1). Last evaluated 2026-05-26.

Conditions:
COL2A1-related disorder. Also called: COL2A1-related condition; COL2A1-related disorders.
Connective tissue disorder. Also called: Connective tissue disease. Identifiers: MedGen C0009782, MONDO:0003900.

Allele frequency attached by ClinVar (database versions not stated): gnomAD exomes 0.00001 and 0.00002; ExAC 0.00002; gnomAD 0.00003; TOPMed 0.00006; ESP Exome Variant Server 0.00008.
gnomAD v4.1: 39 of 1,614,086 alleles (0.0024%); highest among the groups gnomAD compares: African/African-American, 0.008%; no homozygotes.

Submissions (5):

PreventionGenetics, part of Exact Sciences
Classification: Uncertain significance for COL2A1-related condition. Last evaluated: 2026-05-26. Review status: criteria provided, single submitter. Criteria: ACMG Guidelines, 2015. Collection method: clinical testing. Allele origin: germline.
Comment: The COL2A1 c.580G>A variant is predicted to result in the amino acid substitution p.Ala194Thr. This variant has been reported in individuals with polycystic kidney disease, Marfan Syndrome, or short stature (Suzuki et al. 2023. PubMed ID: 36833371; Supplementary Table 3, Han et al. 2024. PubMed ID: 38958168; He et al. 2024. PubMed ID: 38737102). This variant is reported in 0.016% of alleles in individuals of African descent in gnomAD v2. However, in gnomAD v4 (available only on GRCh38), this variant is reported in 0.008% of alleles in individuals of African descent. At this time, the clinical significance of this variant is uncertain due to the absence of conclusive functional and genetic evidence.

Labcorp Genetics (formerly Invitae), Labcorp
Classification: Benign. Last evaluated: 2024-10-29. Review status: criteria provided, single submitter. Criteria: Invitae Variant Classification Sherloc (09022015). Collection method: clinical testing. Allele origin: germline.

Blueprint Genetics
Classification: Uncertain significance. Last evaluated: 2022-05-11. Review status: criteria provided, single submitter. Criteria: ACMG Guidelines, 2015. Collection method: clinical testing. Allele origin: germline.

Genome Diagnostics Laboratory, The Hospital for Sick Children
Classification: Uncertain significance for Connective tissue disorder. Last evaluated: 2020-04-01. Review status: criteria provided, single submitter. Criteria: ACMG Guidelines, 2015. Collection method: clinical testing. Allele origin: germline.

Breakthrough Genomics
Classification: Uncertain significance. Review status: criteria provided, single submitter. Criteria: ACMG Guidelines, 2015. Collection method: not provided. Allele origin: germline. Inheritance: Autosomal dominant inheritance. Affected: yes.

NM_001844.5(COL2A1):c.580G>A (p.Ala194Thr)

Gene: COL2A1 (collagen type II alpha 1 chain; minus strand). Cytogenetic location: 12q13.11.
Variant type: single nucleotide variant.
Coding change: c.580G>A on transcript NM_001844.5 (MANE Select); coding-DNA position 580, G replaced by A.
Protein change: p.Ala194Thr; replaces alanine 194 with threonine.
Molecular consequence: missense variant.
Genome position (GRCh38, 1-based): chr12:47,996,577, C>T on the plus strand (G>A on the coding strand, the complement: COL2A1 is on the minus strand). VCF-style: chr12-47996577-C-T. GRCh37 (hg19) VCF-style: chr12-48390360-C-T.
Other names: c.373G>A, p.Ala125Thr (NM_033150.3); short protein forms A125T, A194T.
Identifiers: ClinVar variation 1480577 (VCV001480577.15), dbSNP rs371445823, ClinGen allele CA6535880.